The following is an entry in ClinVar:

NM_019109.5(ALG1):c.933C>A (p.Asn311Lys)

Gene: ALG1 (ALG1 chitobiosyldiphosphodolichol beta-mannosyltransferase; plus strand). Cytogenetic location: 16p13.3.
Variant type: single nucleotide variant.
Coding change: c.933C>A on transcript NM_019109.5 (MANE Select); coding-DNA position 933, C replaced by A.
Protein change: p.Asn311Lys; replaces asparagine 311 with lysine.
Molecular consequence: missense variant.
Genome position (GRCh38, 1-based): chr16:5,079,779, C>A. VCF-style: chr16-5079779-C-A. GRCh37 (hg19) VCF-style: chr16-5129780-C-A.
Other names: c.600C>A, p.Asn200Lys (NM_001330504.2); c.933C>A (NM_019109.4); short protein forms N311K, N200K.
Identifiers: ClinVar variation 1477684 (VCV001477684.8), dbSNP rs776299417, ClinGen allele CA7890112.

ClinVar aggregate classification (germline): Uncertain significance. Review status: criteria provided, multiple submitters, no conflicts (2 of 4 stars). 3 submissions from 3 submitters: Uncertain significance (3). Last evaluated 2025-09-29.

Conditions:
Inborn genetic diseases. Identifiers: MedGen C0950123, MeSH D030342.
ALG1-congenital disorder of glycosylation. Also called: ALG1-CDG; CONGENITAL DISORDER OF GLYCOSYLATION, TYPE Ik; CDG Ik. Identifiers: Orphanet 79327, MedGen C2931005, MONDO:0012052, OMIM 608540.

Allele frequency attached by ClinVar (database versions not stated): gnomAD exomes below 0.00001 and 0.00001; ExAC 0.00002; gnomAD 0.00003; TOPMed 0.00005.
gnomAD v4.1: 11 of 1,611,742 alleles (0.00068%); highest among the groups gnomAD compares: African/African-American, 0.0094%; no homozygotes.

Submissions (3):

Ambry Genetics
Classification: Uncertain significance for Inborn genetic diseases. Last evaluated: 2025-09-29. Review status: criteria provided, single submitter. Criteria: Ambry Variant Classification Scheme 2023. Collection method: clinical testing. Allele origin: germline.

Fulgent Genetics
Classification: Uncertain significance for ALG1-congenital disorder of glycosylation. Last evaluated: 2024-05-07. Review status: criteria provided, single submitter. Criteria: ACMG Guidelines, 2015. Collection method: clinical testing. Allele origin: germline.

Labcorp Genetics (formerly Invitae), Labcorp
Classification: Uncertain significance for ALG1-congenital disorder of glycosylation. Last evaluated: 2022-05-21. Review status: criteria provided, single submitter. Criteria: Invitae Variant Classification Sherloc (09022015). Collection method: clinical testing. Allele origin: germline.
Comment: This sequence change replaces asparagine, which is neutral and polar, with lysine, which is basic and polar, at codon 311 of the ALG1 protein (p.Asn311Lys). This variant is present in population databases (rs776299417, gnomAD 0.02%). This variant has not been reported in the literature in individuals affected with ALG1-related conditions. Advanced modeling of protein sequence and biophysical properties (such as structural, functional, and spatial information, amino acid conservation, physicochemical variation, residue mobility, and thermodynamic stability) performed at Invitae indicates that this missense variant is not expected to disrupt ALG1 protein function. In summary, the available evidence is currently insufficient to determine the role of this variant in disease. Therefore, it has been classified as a Variant of Uncertain Significance.